The following is an entry in ClinVar:

NM_015137.6(EFR3A):c.2082T>G (p.Ser694=)

Gene: EFR3A (EFR3 homolog A; plus strand). Cytogenetic location: 8q24.22.
Variant type: single nucleotide variant.
Coding change: c.2082T>G on transcript NM_015137.6 (MANE Select); coding-DNA position 2082, T replaced by G.
Protein change: p.Ser694=; no amino-acid change (serine 694 retained).
Molecular consequence: synonymous variant. On other transcripts: non-coding transcript variant (2).
Genome position (GRCh38, 1-based): chr8:131,996,422, T>G. VCF-style: chr8-131996422-T-G. GRCh37 (hg19) VCF-style: chr8-133008669-T-G.
Other names: c.1974T>G, p.Ser658= (NM_001323553.2, NM_001323554.2, NM_001323555.2 and 2 more transcripts); c.2133T>G, p.Ser711= (NM_001323558.2).
Identifiers: ClinVar variation 3049525 (VCV003049525.2), dbSNP rs367599401, ClinGen allele CA4879292.

ClinVar aggregate classification (germline): Likely benign (0 of 4 stars; one submission).

Conditions:
EFR3A-related disorder. Also called: EFR3A-related condition.

Allele frequency attached by ClinVar (database versions not stated): TOPMed 0.00007; gnomAD 0.00009; gnomAD exomes 0.00014; ESP Exome Variant Server 0.00015; ExAC 0.00026.

Submission:

PreventionGenetics, part of Exact Sciences
Classification: Likely benign for EFR3A-related condition. Last evaluated: 2019-02-20. Review status: no assertion criteria provided. Collection method: clinical testing. Allele origin: germline.
Comment: This variant is classified as likely benign based on ACMG/AMP sequence variant interpretation guidelines (Richards et al. 2015 PMID: 25741868, with internal and published modifications).